The following is an entry in ClinVar:

ClinVar aggregate classification (germline): Likely pathogenic. Review status: criteria provided, multiple submitters, no conflicts (2 of 4 stars). 3 submissions from 3 submitters: Likely pathogenic (3). Last evaluated 2025-11-21.

Conditions:
Alstrom syndrome (ALMS). Identifiers: Orphanet 64, MedGen C0268425, MONDO:0008763, OMIM 203800.

Submissions (3):

Natera, Inc.
Classification: Likely pathogenic for Alstrom syndrome. Last evaluated: 2025-11-21. Review status: criteria provided, single submitter. Criteria: Natera Variant Classification Schema (03/2026). Collection method: clinical testing. Allele origin: germline.
Comment: The c.11550+3A>T variant in ALMS1 is an intronic variant located outside the canonical splice sites. This variant is rare in the general population with a frequency below the threshold expected for the associated phenotype(s). This variant has been observed in one or more individuals affected with the associated recessive disease, as either homozygous or compound heterozygous with a second variant (PMID: 37798099, 30600744). Functional studies show that this variant may disrupt protein function (PMID: 30600744). Computational prediction algorithms indicate this variant is likely to affect gene or protein function. Given the available evidence, this variant is classified as Likely Pathogenic.

Labcorp Genetics (formerly Invitae), Labcorp
Classification: Likely pathogenic for Alstrom syndrome. Last evaluated: 2023-06-17. Review status: criteria provided, single submitter. Criteria: Invitae Variant Classification Sherloc (09022015). Collection method: clinical testing. Allele origin: germline.
Comment: ClinVar contains an entry for this variant (Variation ID: 1481548). This sequence change falls in intron 16 of the ALMS1 gene. It does not directly change the encoded amino acid sequence of the ALMS1 protein. RNA analysis indicates that this variant induces altered splicing and may result in an absent or disrupted protein product. This variant is not present in population databases (gnomAD no frequency). This variant has been observed in individual(s) with Alstrom syndrome (PMID: 30600744). Variants that disrupt the consensus splice site are a relatively common cause of aberrant splicing (PMID: 17576681, 9536098). Studies have shown that this variant results in skipping of intron 16 splice-site resulted in insertion 73 intronic nucleotides into exon 16 and introduces a premature termination codon (PMID: 30600744). The resulting mRNA is expected to undergo nonsense-mediated decay. In summary, the currently available evidence indicates that the variant is pathogenic, but additional data are needed to prove that conclusively. Therefore, this variant has been classified as Likely Pathogenic.

Women's Health and Genetics/Laboratory Corporation of America, LabCorp
Classification: Likely pathogenic for Alstrom syndrome. Last evaluated: 2022-09-25. Review status: criteria provided, single submitter. Criteria: LabCorp Variant Classification Summary - May 2015. Collection method: clinical testing. Allele origin: germline.
Comment: Variant summary: ALMS1 c.11544+3A>T (also known as c.11550+3A>T in ResSeq) alters a conserved nucleotide located close to a canonical splice site and therefore could affect mRNA splicing, leading to a significantly altered protein sequence. Several computational tools predict a significant impact on normal splicing: Three predict the variant abolishes a 5 prime splicing donor site; one predict the variant weakens a 5 prime donor site. At least one publication reports experimental evidence that this variant affects mRNA splicing (Weiss_2019). The variant was absent in 248300 control chromosomes. c.11544+3A>T has been reported in the literature in individuals affected with Alstrom Syndrome (Weiss_2019, Sharon_2020). These data indicate that the variant may be associated with disease. One clinical diagnostic laboratory has submitted clinical-significance assessments for this variant to ClinVar after 2014 without evidence for independent evaluation and classified the variant as likely pathogenic. Based on the evidence outlined above, the variant was classified as likely pathogenic.

Literature cited by the submitters: PubMed 37798099 (cited by Natera, Inc.); PubMed 30600744 (cited by 3 submitters); PubMed 17576681 (cited by Labcorp Genetics (formerly Invitae), Labcorp); PubMed 9536098 (cited by Labcorp Genetics (formerly Invitae), Labcorp); PubMed 31456290 (cited by Women's Health and Genetics/Laboratory Corporation of America, LabCorp).

NM_001378454.1(ALMS1):c.11547+3A>T

Gene: ALMS1 (ALMS1 centrosome and basal body associated protein; plus strand). Cytogenetic location: 2p13.1.
Variant type: single nucleotide variant.
Coding change: c.11547+3A>T on transcript NM_001378454.1 (MANE Select); 3 bases into the intron after coding-DNA position 11547, A replaced by T.
Molecular consequence: intron variant.
Genome position (GRCh38, 1-based): chr2:73,573,427, A>T. VCF-style: chr2-73573427-A-T. GRCh37 (hg19) VCF-style: chr2-73800554-A-T.
Other names: c.11550+3A>T (NM_015120.4); c.11547+3A>T (NM_015120.4).
Identifiers: ClinVar variation 1481548 (VCV001481548.10), dbSNP rs1271250182, ClinGen allele CA2573135816.